The following is an entry in ClinVar:

NM_002335.4(LRP5):c.606C>G (p.Ile202Met)

Gene: LRP5 (LDL receptor related protein 5; plus strand). Cytogenetic location: 11q13.2.
Variant type: single nucleotide variant.
Coding change: c.606C>G on transcript NM_002335.4 (MANE Select); coding-DNA position 606, C replaced by G.
Protein change: p.Ile202Met; replaces isoleucine 202 with methionine.
Molecular consequence: missense variant. On other transcripts: 5 prime UTR variant (1).
Genome position (GRCh38, 1-based): chr11:68,357,767, C>G. VCF-style: chr11-68357767-C-G. GRCh37 (hg19) VCF-style: chr11-68125235-C-G.
Other names: c.-1160C>G (NM_001291902.2); short protein forms I202M.
Identifiers: ClinVar variation 1464899 (VCV001464899.8), dbSNP rs772705728, ClinGen allele CA381611877.

ClinVar aggregate classification (germline): Uncertain significance (1 of 4 stars; one submission).

Submission:

Labcorp Genetics (formerly Invitae), Labcorp
Classification: Uncertain significance. Last evaluated: 2024-11-11. Review status: criteria provided, single submitter. Criteria: Invitae Variant Classification Sherloc (09022015). Collection method: clinical testing. Allele origin: germline.
Comment: This sequence change replaces isoleucine, which is neutral and non-polar, with methionine, which is neutral and non-polar, at codon 202 of the LRP5 protein (p.Ile202Met). This variant is not present in population databases (gnomAD no frequency). This variant has not been reported in the literature in individuals affected with LRP5-related conditions. ClinVar contains an entry for this variant (Variation ID: 1464899). Invitae Evidence Modeling of protein sequence and biophysical properties (such as structural, functional, and spatial information, amino acid conservation, physicochemical variation, residue mobility, and thermodynamic stability) has been performed for this missense variant. However, the output from this modeling did not meet the statistical confidence thresholds required to predict the impact of this variant on LRP5 protein function. In summary, the available evidence is currently insufficient to determine the role of this variant in disease. Therefore, it has been classified as a Variant of Uncertain Significance.